The following is an entry in ClinVar:

NM_014974.3(DIP2C):c.1848G>A (p.Met616Ile)

Gene: DIP2C (DIP2 acetate--CoA ligase C (putative); minus strand). Cytogenetic location: 10p15.3.
Variant type: single nucleotide variant.
Coding change: c.1848G>A on transcript NM_014974.3 (MANE Select); coding-DNA position 1848, G replaced by A.
Protein change: p.Met616Ile; replaces methionine 616 with isoleucine.
Molecular consequence: missense variant.
Genome position (GRCh38, 1-based): chr10:384,055, C>T on the plus strand (G>A on the coding strand, the complement: DIP2C is on the minus strand). VCF-style: chr10-384055-C-T. GRCh37 (hg19) VCF-style: chr10-429995-C-T.
Other names: short protein forms M616I.
Identifiers: ClinVar variation 2784257 (VCV002784257.3), dbSNP rs763608062, ClinGen allele CA5380742.

ClinVar aggregate classification (germline): Uncertain significance (1 of 4 stars; one submission).

Allele frequency attached by ClinVar (database versions not stated): TOPMed below 0.00001; ExAC 0.00001; gnomAD exomes below 0.00001.
gnomAD v4.1: 3 of 1,609,542 alleles (0.00019%); highest among the groups gnomAD compares: Admixed American, 0.0034%; no homozygotes.

Submission:

Labcorp Genetics (formerly Invitae), Labcorp
Classification: Uncertain significance. Last evaluated: 2025-03-19. Review status: criteria provided, single submitter. Criteria: Invitae Variant Classification Sherloc (09022015). Collection method: clinical testing. Allele origin: germline.
Comment: This sequence change replaces methionine, which is neutral and non-polar, with isoleucine, which is neutral and non-polar, at codon 616 of the DIP2C protein (p.Met616Ile). This variant is present in population databases (rs763608062, gnomAD 0.006%). This variant has not been reported in the literature in individuals affected with DIP2C-related conditions. ClinVar contains an entry for this variant (Variation ID: 2784257). An algorithm developed to predict the effect of missense changes on protein structure and function (PolyPhen-2) suggests that this variant is likely to be disruptive. In summary, the available evidence is currently insufficient to determine the role of this variant in disease. Therefore, it has been classified as a Variant of Uncertain Significance.